The following is an entry in ClinVar:

NM_002454.3(MTRR):c.1727T>G (p.Leu576Trp)

Gene: MTRR (5-methyltetrahydrofolate-homocysteine methyltransferase reductase; plus strand). Cytogenetic location: 5p15.31.
Variant type: single nucleotide variant.
Coding change: c.1727T>G on transcript NM_002454.3 (MANE Select); coding-DNA position 1727, T replaced by G.
Protein change: p.Leu576Trp; replaces leucine 576 with tryptophan.
Molecular consequence: missense variant. On other transcripts: non-coding transcript variant (14).
Genome position (GRCh38, 1-based): chr5:7,896,914, T>G. VCF-style: chr5-7896914-T-G. GRCh37 (hg19) VCF-style: chr5-7897027-T-G.
Other names: c.1727T>G, p.Leu576Trp (NM_001364440.2, NM_001364441.2, NM_001364442.2 and 1 more transcripts); short protein forms L576W.
Identifiers: ClinVar variation 1404768 (VCV001404768.4), dbSNP rs771123203, ClinGen allele CA3196044.

ClinVar aggregate classification (germline): Uncertain significance. Review status: criteria provided, multiple submitters, no conflicts (2 of 4 stars). 2 submissions from 2 submitters: Uncertain significance (2). Last evaluated 2022-08-09.

Conditions:
Methylcobalamin deficiency type cblE (HMAE). Also called: HOMOCYSTINURIA-MEGALOBLASTIC ANEMIA, cblE COMPLEMENTATION TYPE; HOMOCYSTINURIA-MEGALOBLASTIC ANEMIA, cblE TYPE; VITAMIN B12-RESPONSIVE HOMOCYSTINURIA, cblE TYPE. Identifiers: Orphanet 2169, Orphanet 622, MedGen C1856057, MONDO:0009354, OMIM 236270.

Allele frequency attached by ClinVar (database versions not stated): ExAC 0.00001; gnomAD 0.00001; gnomAD exomes 0.00002.

Submissions (2):

Labcorp Genetics (formerly Invitae), Labcorp
Classification: Uncertain significance for Methylcobalamin deficiency type cblE. Last evaluated: 2022-08-09. Review status: criteria provided, single submitter. Criteria: Invitae Variant Classification Sherloc (09022015). Collection method: clinical testing. Allele origin: germline.
Comment: This sequence change replaces leucine, which is neutral and non-polar, with tryptophan, which is neutral and slightly polar, at codon 576 of the MTRR protein (p.Leu576Trp). This variant is present in population databases (rs771123203, gnomAD 0.003%). This missense change has been observed in individual(s) with cobalamin E deficiency (PMID: 25526710). ClinVar contains an entry for this variant (Variation ID: 1404768). Algorithms developed to predict the effect of missense changes on protein structure and function (SIFT, PolyPhen-2, Align-GVGD) all suggest that this variant is likely to be disruptive. In summary, the available evidence is currently insufficient to determine the role of this variant in disease. Therefore, it has been classified as a Variant of Uncertain Significance.

Mendelics
Classification: Uncertain significance. Last evaluated: 2022-05-04. Review status: criteria provided, single submitter. Criteria: Mendelics Assertion Criteria 2019. Collection method: clinical testing. Allele origin: germline.

Literature cited by the submitters: PubMed 25526710 (cited by Labcorp Genetics (formerly Invitae), Labcorp).